The following is an entry in ClinVar:

ClinVar aggregate classification (germline): Uncertain significance (1 of 4 stars; one submission).

Submission:

GeneDx
Classification: Uncertain significance. Last evaluated: 2025-04-28. Review status: criteria provided, single submitter. Criteria: GeneDx Variant Classification Process June 2021. Collection method: clinical testing. Allele origin: germline. Affected: yes.
Comment: Not observed at significant frequency in large population cohorts (gnomAD); In silico analysis supports that this missense variant has a deleterious effect on protein structure/function; Has not been previously published as pathogenic or benign to our knowledge

NM_001384140.1(PCDH15):c.1259T>C (p.Leu420Ser)

Gene: PCDH15 (protocadherin related 15; minus strand). Cytogenetic location: 10q21.1.
Variant type: single nucleotide variant.
Coding change: c.1259T>C on transcript NM_001384140.1 (MANE Select); coding-DNA position 1259, T replaced by C.
Protein change: p.Leu420Ser; replaces leucine 420 with serine.
Molecular consequence: missense variant.
Genome position (GRCh38, 1-based): chr10:54,195,729, A>G on the plus strand (T>C on the coding strand, the complement: PCDH15 is on the minus strand). VCF-style: chr10-54195729-A-G. GRCh37 (hg19) VCF-style: chr10-55955489-A-G.
Other names: c.1274T>C, p.Leu425Ser (NM_001142763.2, NM_001142769.4, NM_001142771.2); c.1259T>C, p.Leu420Ser (NM_001142764.2, NM_001142765.2, NM_001142766.2 and 7 more transcripts); c.1148T>C, p.Leu383Ser (NM_001142767.2); c.1193T>C, p.Leu398Ser (NM_001142768.2, NM_001142773.2, NM_001354404.2); short protein forms L383S, L398S, L420S, L425S.
Identifiers: ClinVar variation 4527170 (VCV004527170.1).